The following is an entry in ClinVar:

ClinVar aggregate classification (germline): Pathogenic (1 of 4 stars; one submission).

Submission:

Labcorp Genetics (formerly Invitae), Labcorp
Classification: Pathogenic. Last evaluated: 2022-08-13. Review status: criteria provided, single submitter. Criteria: Invitae Variant Classification Sherloc (09022015). Collection method: clinical testing. Allele origin: germline.
Comment: For these reasons, this variant has been classified as Pathogenic. This variant has not been reported in the literature in individuals affected with RUNX2-related conditions. This variant is not present in population databases (gnomAD no frequency). This sequence change creates a premature translational stop signal (p.His214Leufs*6) in the RUNX2 gene. It is expected to result in an absent or disrupted protein product. Loss-of-function variants in RUNX2 are known to be pathogenic (PMID: 10521292, 11857736).

Literature cited by the submitters: PubMed 10521292; PubMed 11857736.

NM_001024630.4(RUNX2):c.637_640dup (p.His214fs)

Gene: RUNX2 (RUNX family transcription factor 2; plus strand). Cytogenetic location: 6p21.1.
Variant type: Duplication.
Coding change: c.637_640dup on transcript NM_001024630.4 (MANE Select); coding-DNA positions 637 to 640, 4 bases duplicated (TATC; older notation c.637_640dupTATC).
Protein change: p.His214fs; shifts the reading frame from histidine 214.
Molecular consequence: frameshift variant.
Genome position (GRCh38, 1-based): chr6:45,438,003-45,438,006, TATC duplicated; duplicating any 4 consecutive bases within chr6:45,438,002-45,438,006 gives the same sequence; the c. name uses the placement nearest the transcript's 3' end. VCF-style (leftmost placement, unchanged base first): chr6-45438001-C-CCTAT. GRCh37 (hg19) VCF-style: chr6-45405738-C-CCTAT.
Other names: c.637_640dup, p.His214fs (NM_001015051.4); c.595_598dup, p.His200fs (NM_001278478.2, NM_001369405.1); c.595_598dup, p.His200Leufs (NM_004348.3); short protein forms H214fs, H200fs.
Identifiers: ClinVar variation 2023906 (VCV002023906.4), dbSNP rs2548593549, ClinGen allele CA2580074691.
Genomic context (GRCh38, chr6:45,438,001, plus strand): 5'-CTGCAGGCAAGAGTTTCACCTTGACCATAACCGTCTTCACAAATCCTCCCCAAGTAGCTA[C>CCTAT]CTATCACAGAGCAATTAAAGTTACAGTAGATGGACCTCGGGAACCCAGAAGTAAGTACTC-3'